The following is an entry in ClinVar:

NM_031885.5(BBS2):c.1528-1G>C

Gene: BBS2 (Bardet-Biedl syndrome 2; minus strand). Cytogenetic location: 16q13.
Variant type: single nucleotide variant.
Coding change: c.1528-1G>C on transcript NM_031885.5 (MANE Select); the canonical splice acceptor site of the intron before coding-DNA position 1528, G replaced by C.
Molecular consequence: splice acceptor variant. On other transcripts: non-coding transcript variant (3).
Genome position (GRCh38, 1-based): chr16:56,498,569, C>G on the plus strand (G>C on the coding strand, the complement: BBS2 is on the minus strand). VCF-style: chr16-56498569-C-G. GRCh37 (hg19) VCF-style: chr16-56532481-C-G.
Other names: c.1528-1G>C (NM_001377456.1).
Identifiers: ClinVar variation 1475098 (VCV001475098.6), dbSNP rs2144135065, ClinGen allele CA395977236.

ClinVar aggregate classification (germline): Likely pathogenic (1 of 4 stars; one submission).

Conditions:
Bardet-Biedl syndrome (BBS). Identifiers: Orphanet 110, MedGen C0752166, MONDO:0015229.

Submission:

Labcorp Genetics (formerly Invitae), Labcorp
Classification: Likely pathogenic for Bardet-Biedl syndrome. Last evaluated: 2022-12-03. Review status: criteria provided, single submitter. Criteria: Invitae Variant Classification Sherloc (09022015). Collection method: clinical testing. Allele origin: germline.
Comment: ClinVar contains an entry for this variant (Variation ID: 1475098). This variant has not been reported in the literature in individuals affected with BBS2-related conditions. This variant is not present in population databases (gnomAD no frequency). This sequence change affects an acceptor splice site in intron 12 of the BBS2 gene. It is expected to disrupt RNA splicing. Variants that disrupt the donor or acceptor splice site typically lead to a loss of protein function (PMID: 16199547), and loss-of-function variants in BBS2 are known to be pathogenic (PMID: 11285252, 20177705, 24608809, 26518167). Algorithms developed to predict the effect of sequence changes on RNA splicing suggest that this variant may disrupt the consensus splice site. In summary, the currently available evidence indicates that the variant is pathogenic, but additional data are needed to prove that conclusively. Therefore, this variant has been classified as Likely Pathogenic.

Literature cited by the submitters: PubMed 16199547; PubMed 11285252; PubMed 20177705; PubMed 24608809; PubMed 26518167.